The following is an entry in ClinVar:

NM_003238.6(TGFB2):c.285C>G (p.Asp95Glu)

Gene: TGFB2 (transforming growth factor beta 2; plus strand). Cytogenetic location: 1q41.
Variant type: single nucleotide variant.
Coding change: c.285C>G on transcript NM_003238.6 (MANE Select); coding-DNA position 285, C replaced by G.
Protein change: p.Asp95Glu; replaces aspartic acid 95 with glutamic acid.
Molecular consequence: missense variant. On other transcripts: non-coding transcript variant (2).
Genome position (GRCh38, 1-based): chr1:218,346,986, C>G. VCF-style: chr1-218346986-C-G. GRCh37 (hg19) VCF-style: chr1-218520328-C-G.
Other names: c.285C>G, p.Asp95Glu (NM_001135599.4); short protein forms D95E.
Identifiers: ClinVar variation 4798697 (VCV004798697.1).

ClinVar aggregate classification (germline): Uncertain significance (1 of 4 stars; one submission).

Conditions:
Loeys-Dietz syndrome 4 (LDS4). Also called: ANEURYSM, AORTIC AND CEREBRAL, WITH ARTERIAL TORTUOSITY AND SKELETAL MANIFESTATIONS; TGFB2-Related Loeys-Dietz Syndrome. Identifiers: MedGen C3553762, MONDO:0013897, OMIM 614816.

gnomAD v4.1: 5 of 1,613,056 alleles (0.00031%); highest among the groups gnomAD compares: Non-Finnish European, 0.00042%; no homozygotes.

Submission:

Labcorp Genetics (formerly Invitae), Labcorp
Classification: Uncertain significance for Loeys-Dietz syndrome 4. Last evaluated: 2025-09-29. Review status: criteria provided, single submitter. Criteria: Invitae Variant Classification Sherloc (09022015). Collection method: clinical testing. Allele origin: germline.
Comment: This sequence change replaces aspartic acid, which is acidic and polar, with glutamic acid, which is acidic and polar, at codon 95 of the TGFB2 protein (p.Asp95Glu). This variant is present in population databases (rs767393318, gnomAD 0.0009%). This variant has not been reported in the literature in individuals affected with TGFB2-related conditions. Invitae Evidence Modeling of protein sequence and biophysical properties (such as structural, functional, and spatial information, amino acid conservation, physicochemical variation, residue mobility, and thermodynamic stability) indicates that this missense variant is not expected to disrupt TGFB2 protein function with a negative predictive value of 95%. In summary, the available evidence is currently insufficient to determine the role of this variant in disease. Therefore, it has been classified as a Variant of Uncertain Significance.